The following is an entry in ClinVar:

NM_004629.2(FANCG):c.217G>A (p.Val73Ile)

Gene: FANCG (FA complementation group G; minus strand). Cytogenetic location: 9p13.3.
Variant type: single nucleotide variant.
Coding change: c.217G>A on transcript NM_004629.2 (MANE Select); coding-DNA position 217, G replaced by A.
Protein change: p.Val73Ile; replaces valine 73 with isoleucine.
Molecular consequence: missense variant.
Genome position (GRCh38, 1-based): chr9:35,078,695, C>T on the plus strand (G>A on the coding strand, the complement: FANCG is on the minus strand). VCF-style: chr9-35078695-C-T. GRCh37 (hg19) VCF-style: chr9-35078692-C-T.
Other names: short protein forms V73I.
Identifiers: ClinVar variation 4619355 (VCV004619355.1).
Genomic context (GRCh38, chr9:35,078,695, plus strand): 5'-CCTGATCCTCTGTGAAACCCTGGGCCAAGCTTGCCCTCAGGATAATGAAGTTGCAGGTGA[C>T]AGTCAGCTCCAAGGGAAGAACAGGAACAGCTGCAGGGAGCCCTGGAGCAACAATGTTGGT-3'
Protein context (NP_004620.1, residues 63-83): AVPVLPLELT[Val73Ile]TCNFIILRAS

ClinVar aggregate classification (germline): Uncertain significance (1 of 4 stars; one submission).

Conditions:
Inborn genetic diseases. Identifiers: MedGen C0950123, MeSH D030342.

gnomAD v4.1: 3 of 1,614,150 alleles (0.00019%); highest among the groups gnomAD compares: Admixed American, 0.005%; no homozygotes.

Submission:

Ambry Genetics
Classification: Uncertain significance for Inborn genetic diseases. Last evaluated: 2025-09-26. Review status: criteria provided, single submitter. Criteria: Ambry Variant Classification Scheme 2023. Collection method: clinical testing. Allele origin: germline.
Comment: The p.V73I variant (also known as c.217G>A), located in coding exon 3 of the FANCG gene, results from a G to A substitution at nucleotide position 217. The valine at codon 73 is replaced by isoleucine, an amino acid with highly similar properties. This amino acid position is conserved. In addition, this alteration is predicted to be tolerated by in silico analysis. Based on the available evidence, the clinical significance of this variant remains unclear.